The following is an entry in ClinVar:

ClinVar aggregate classification (germline): Uncertain significance (1 of 4 stars; one submission).

Submission:

GeneDx
Classification: Uncertain significance. Last evaluated: 2023-10-16. Review status: criteria provided, single submitter. Criteria: GeneDx Variant Classification Process June 2021. Collection method: clinical testing. Allele origin: germline. Affected: yes.
Comment: Not observed at significant frequency in large population cohorts (gnomAD); In silico analysis supports that this missense variant has a deleterious effect on protein structure/function; Has not been previously published as pathogenic or benign to our knowledge

NM_001365536.1(SCN9A):c.2732A>G (p.Asn911Ser)

Genes: SCN1A-AS1 (SCN1A and SCN9A antisense RNA 1; plus strand), SCN9A (sodium voltage-gated channel alpha subunit 9; minus strand). Cytogenetic location: 2q24.3.
Variant type: single nucleotide variant.
Coding change: c.2732A>G on transcript NM_001365536.1 (MANE Select); coding-DNA position 2732, A replaced by G.
Protein change: p.Asn911Ser; replaces asparagine 911 with serine.
Molecular consequence: missense variant. On other transcripts: non-coding transcript variant (1).
Genome position (GRCh38, 1-based): chr2:166,277,125, T>C on the plus strand (A>G on the coding strand, the complement: SCN9A is on the minus strand). VCF-style: chr2-166277125-T-C. GRCh37 (hg19) VCF-style: chr2-167133635-T-C.
Other names: c.2699A>G, p.Asn900Ser (NM_002977.4); short protein forms N900S, N911S.
Identifiers: ClinVar variation 3366169 (VCV003366169.1).